The following is an entry in ClinVar:

ClinVar aggregate classification (germline): Likely benign (1 of 4 stars; one submission).

gnomAD v4.1: 1 of 1,596,928 alleles (0.000063%); highest among the groups gnomAD compares: East Asian, 0.0022%; no homozygotes.

Submission:

CeGaT Center for Human Genetics Tuebingen
Classification: Likely benign. Last evaluated: 2024-10-01. Review status: criteria provided, single submitter. Criteria: CeGaT Center For Human Genetics Tuebingen Variant Classification Criteria Version 2. Collection method: clinical testing. Allele origin: germline. Affected: yes. Observed: 1 variant allele.
Comment: ABCA13: BP4, BP7

NM_152701.5(ABCA13):c.3837G>A (p.Glu1279=)

Gene: ABCA13 (ATP binding cassette subfamily A member 13; plus strand). Cytogenetic location: 7p12.3.
Variant type: single nucleotide variant.
Coding change: c.3837G>A on transcript NM_152701.5 (MANE Select); coding-DNA position 3837, G replaced by A.
Protein change: p.Glu1279=; no amino-acid change (glutamic acid 1279 retained).
Molecular consequence: synonymous variant.
Genome position (GRCh38, 1-based): chr7:48,273,503, G>A. VCF-style: chr7-48273503-G-A. GRCh37 (hg19) VCF-style: chr7-48313100-G-A.
Identifiers: ClinVar variation 3388800 (VCV003388800.14).